The following is an entry in ClinVar:

ClinVar aggregate classification (germline): Likely benign (1 of 4 stars; one submission).

Submission:

CeGaT Center for Human Genetics Tuebingen
Classification: Likely benign. Last evaluated: 2025-04-01. Review status: criteria provided, single submitter. Criteria: CeGaT Center For Human Genetics Tuebingen Variant Classification Criteria Version 2. Collection method: clinical testing. Allele origin: germline. Affected: yes. Observed: 1 variant allele.
Comment: OTUD5: PM2:Supporting, BP4, BP7

NM_001136157.2(OTUD5):c.300A>C (p.Pro100=)

Genes: OTUD5 (OTU deubiquitinase 5; minus strand), LOC130068266 (ATAC-STARR-seq lymphoblastoid silent region 20828; plus strand). Cytogenetic location: Xp11.23.
Variant type: single nucleotide variant.
Coding change: c.300A>C on transcript NM_001136157.2 (MANE Select); coding-DNA position 300, A replaced by C.
Protein change: p.Pro100=; no amino-acid change (proline 100 retained).
Molecular consequence: synonymous variant. On other transcripts: intron variant (1).
Genome position (GRCh38, 1-based): chrX:48,957,271, T>G on the plus strand (A>C on the coding strand, the complement: OTUD5 is on the minus strand). VCF-style: chrX-48957271-T-G. GRCh37 (hg19) VCF-style: chrX-48814533-T-G.
Other names: c.300A>C, p.Pro100= (NM_001136158.2, NM_017602.4); c.-58+961A>C (NM_001136159.2).
Identifiers: ClinVar variation 3898560 (VCV003898560.7).
Genomic context (GRCh38, chrX:48,957,271, plus strand): 5'-CGCTGCGCCCAGCGCGTCGCCGGGACCGCCGCCGGGACCACCTGGGCCCCCGCAAGGAGG[T>G]GGAGAAGCCTGTTGTGGCCGGGGACCCGCCACTGCACCAGGCGGCACGGCCAGCGCCCAG-3'
Protein context (NP_001129629.1, residues 90-110): VAGPRPQQAS[Pro100=]PPCGGPGGPG